The following is an entry in ClinVar:

ClinVar aggregate classification (germline): Uncertain significance (1 of 4 stars; one submission).

Submission:

Women's Health and Genetics/Laboratory Corporation of America, LabCorp
Classification: Uncertain significance. Last evaluated: 2024-05-29. Review status: criteria provided, single submitter. Criteria: LabCorp Variant Classification Summary - May 2015. Collection method: clinical testing. Allele origin: germline.
Comment: Variant summary: F9 c.284A>G (p.Asp95Gly) results in a non-conservative amino acid change located in the EGF-like domain (IPR000742) of the encoded protein sequence. Five of five in-silico tools predict a damaging effect of the variant on protein function. The variant was absent in 182904 control chromosomes. c.284A>G has been reported in the literature in at least two individuals affected with Factor IX Deficiency (Hemophilia B) (e.g. Thorland_1995, Wang_2016, Shinozawa_2021). These data indicate that the variant may be associated with disease. To our knowledge, no experimental evidence demonstrating an impact on protein function has been reported. The following publications have been ascertained in the context of this evaluation (PMID: 8772212, 27109384, 33760382). No submitters have cited clinical-significance assessments for this variant to ClinVar. Based on the evidence outlined above, the variant was classified as VUS-possibly pathogenic.

Literature cited by the submitters: PubMed 27109384; PubMed 33760382; PubMed 8772212.

NM_000133.4(F9):c.284A>G (p.Asp95Gly)

Gene: F9 (coagulation factor IX; plus strand). Cytogenetic location: Xq27.1.
Variant type: single nucleotide variant.
Coding change: c.284A>G on transcript NM_000133.4 (MANE Select); coding-DNA position 284, A replaced by G.
Protein change: p.Asp95Gly; replaces aspartic acid 95 with glycine.
Molecular consequence: missense variant. On other transcripts: intron variant (1).
Genome position (GRCh38, 1-based): chrX:139,541,082, A>G. VCF-style: chrX-139541082-A-G. GRCh37 (hg19) VCF-style: chrX-138623241-A-G.
Other names: c.277+3696A>G (NM_001313913.2); short protein forms D95G.
Identifiers: ClinVar variation 3336174 (VCV003336174.1).